The following is an entry in ClinVar:

ClinVar aggregate classification (germline): Benign/Likely benign. Review status: criteria provided, multiple submitters, no conflicts (2 of 4 stars). 5 submissions from 5 submitters: Benign (1); Likely benign (3). 1 of the submissions does not count toward it. Last evaluated 2026-01-24.

Conditions:
PIGG-related disorder. Also called: PIGG-related condition.
Intellectual disability, autosomal recessive 53 (NEDHSCA). Also called: GLYCOSYLPHOSPHATIDYLINOSITOL BIOSYNTHESIS DEFECT 13; Mental retardation, autosomal recessive 53; NEURODEVELOPMENTAL DISORDER WITH OR WITHOUT HYPOTONIA, SEIZURES, AND CEREBELLAR ATROPHY. Identifiers: Orphanet 488635, MedGen C4310794, MONDO:0014832, OMIM 616917.

Allele frequency attached by ClinVar (database versions not stated): gnomAD exomes 0.00056 and 0.00135; gnomAD 0.00452 and 0.00498; 1000 Genomes Project 30x 0.00468; ExAC 0.00164; 1000 Genomes Project 0.00439; TOPMed 0.00538; ESP Exome Variant Server 0.00577.

Submissions (5):

Labcorp Genetics (formerly Invitae), Labcorp
Classification: Benign for Intellectual disability, autosomal recessive 53. Last evaluated: 2026-01-24. Review status: criteria provided, single submitter. Criteria: Invitae Variant Classification Sherloc (09022015). Collection method: clinical testing. Allele origin: germline.

Blueprint Genetics
Classification: Likely benign. Last evaluated: 2024-06-24. Review status: criteria provided, single submitter. Criteria: ACMG Guidelines, 2015. Collection method: clinical testing. Allele origin: germline.

GeneDx
Classification: Likely benign. Last evaluated: 2021-04-06. Review status: criteria provided, single submitter. Criteria: GeneDx Variant Classification Process June 2021. Collection method: clinical testing. Allele origin: germline. Affected: yes.

Breakthrough Genomics
Classification: Likely benign. Review status: criteria provided, single submitter. Criteria: ACMG Guidelines, 2015. Collection method: not provided. Allele origin: germline. Inheritance: Autosomal recessive inheritance. Affected: yes.

PreventionGenetics, part of Exact Sciences
Classification: Benign for PIGG-related condition. Last evaluated: 2024-06-12. Review status: no assertion criteria provided. Collection method: clinical testing. Allele origin: germline. Not counted in ClinVar's aggregate classification.
Comment: This variant is classified as benign based on ACMG/AMP sequence variant interpretation guidelines (Richards et al. 2015 PMID: 25741868, with internal and published modifications).

NM_001127178.3(PIGG):c.1930G>A (p.Glu644Lys)

Gene: PIGG (phosphatidylinositol glycan anchor biosynthesis class G (EMM blood group); plus strand). Cytogenetic location: 4p16.3.
Variant type: single nucleotide variant.
Coding change: c.1930G>A on transcript NM_001127178.3 (MANE Select); coding-DNA position 1930, G replaced by A.
Protein change: p.Glu644Lys; replaces glutamic acid 644 with lysine.
Molecular consequence: missense variant. On other transcripts: non-coding transcript variant (6).
Genome position (GRCh38, 1-based): chr4:523,774, G>A. VCF-style: chr4-523774-G-A. GRCh37 (hg19) VCF-style: chr4-517563-G-A.
Other names: c.1663G>A, p.Glu555Lys (NM_001289051.2, NM_001345986.2); c.1531G>A, p.Glu511Lys (NM_001289052.2); c.1639G>A, p.Glu547Lys (NM_001345987.2); c.901G>A, p.Glu301Lys (NM_001345988.2); c.397G>A, p.Glu133Lys (NM_001345990.2, NM_001345991.2); c.832G>A, p.Glu278Lys (NM_001345994.2); c.1906G>A, p.Glu636Lys (NM_017733.5); short protein forms E644K, E301K, E547K, E555K, E636K, E278K, E511K, E133K.
Identifiers: ClinVar variation 476328 (VCV000476328.16), dbSNP rs114931121, ClinGen allele CA2793484.
Genomic context (GRCh38, chr4:523,774, plus strand): 5'-GACGGGCCTGGCTGTGATGTCCTGGAGCGAGACAAAGGCCACGGAAGCCCCTCTACCTCC[G>A]AAGTGCTCAGAGGCCGCGAGAAGTGGATGGTGCTGGCCAGTCCGTGGCTAATACTGGCCT-3'
Protein context (NP_001120650.1, residues 634-654): DKGHGSPSTS[Glu644Lys]VLRGREKWMV